The following is an entry in ClinVar:

ClinVar aggregate classification (germline): Uncertain significance. Review status: criteria provided, multiple submitters, no conflicts (2 of 4 stars). 2 submissions from 2 submitters: Uncertain significance (2). Last evaluated 2020-06-11.

Submissions (2):

GeneDx
Classification: Uncertain significance. Last evaluated: 2020-06-11. Review status: criteria provided, single submitter. Criteria: GeneDx Variant Classification Process June 2021. Collection method: clinical testing. Allele origin: germline. Affected: yes.
Comment: Not observed in large population cohorts (Lek et al., 2016); In silico analysis, which includes protein predictors and evolutionary conservation, supports that this variant does not alter protein structure/function; Has not been previously published as pathogenic or benign to our knowledge

CeGaT Center for Human Genetics Tuebingen
Classification: Uncertain significance. Last evaluated: 2020-01-01. Review status: criteria provided, single submitter. Criteria: CeGaT Center For Human Genetics Tuebingen Variant Classification Criteria Version 2. Collection method: clinical testing. Allele origin: germline. Affected: yes. Observed: 1 variant allele.

NM_001134407.3(GRIN2A):c.2917G>A (p.Asp973Asn)

Gene: GRIN2A (glutamate ionotropic receptor NMDA type subunit 2A; minus strand). Cytogenetic location: 16p13.2.
Variant type: single nucleotide variant.
Coding change: c.2917G>A on transcript NM_001134407.3 (MANE Select); coding-DNA position 2917, G replaced by A.
Protein change: p.Asp973Asn; replaces aspartic acid 973 with asparagine.
Molecular consequence: missense variant.
Genome position (GRCh38, 1-based): chr16:9,764,627, C>T on the plus strand (G>A on the coding strand, the complement: GRIN2A is on the minus strand). VCF-style: chr16-9764627-C-T. GRCh37 (hg19) VCF-style: chr16-9858484-C-T.
Other names: c.2917G>A, p.Asp973Asn (NM_000833.5, NM_001134408.2); short protein forms D973N.
Identifiers: ClinVar variation 871808 (VCV000871808.43), dbSNP rs1900795341, ClinGen allele CA394709071.